The following is an entry in ClinVar:

NM_031483.7(ITCH):c.228G>C (p.Val76=)

Gene: ITCH (itchy E3 ubiquitin protein ligase; plus strand). Cytogenetic location: 20q11.22.
Variant type: single nucleotide variant.
Coding change: c.228G>C on transcript NM_031483.7 (MANE Select); coding-DNA position 228, G replaced by C.
Protein change: p.Val76=; no amino-acid change (valine 76 retained).
Molecular consequence: synonymous variant. On other transcripts: 5 prime UTR variant (1).
Genome position (GRCh38, 1-based): chr20:34,412,530, G>C. VCF-style: chr20-34412530-G-C. GRCh37 (hg19) VCF-style: chr20-33000336-G-C.
Other names: c.228G>C, p.Val76= (NM_001257137.3, NM_001324197.2, NM_001324198.2); c.-103G>C (NM_001257138.3).
Identifiers: ClinVar variation 1534664 (VCV001534664.31), dbSNP rs534487525, ClinGen allele CA9821274.

ClinVar aggregate classification (germline): Likely benign. Review status: criteria provided, multiple submitters, no conflicts (2 of 4 stars). 2 submissions from 2 submitters: Likely benign (2). Last evaluated 2022-09-01.

Conditions:
Syndromic multisystem autoimmune disease due to ITCH deficiency. Also called: AUTOIMMUNE DISEASE, MULTISYSTEM, WITH FACIAL DYSMORPHISM. Identifiers: Orphanet 228426, MedGen C3150649, MONDO:0013245, OMIM 613385.

Allele frequency attached by ClinVar (database versions not stated): gnomAD 0.00001; gnomAD exomes 0.00001; ExAC 0.00003; 1000 Genomes Project 30x 0.00016; 1000 Genomes Project 0.00020.
gnomAD v4.1: 10 of 1,598,782 alleles (0.00063%); highest among the groups gnomAD compares: South Asian, 0.011%; no homozygotes.

Submissions (2):

Labcorp Genetics (formerly Invitae), Labcorp
Classification: Likely benign for Syndromic multisystem autoimmune disease due to ITCH deficiency. Last evaluated: 2022-09-01. Review status: criteria provided, single submitter. Criteria: Invitae Variant Classification Sherloc (09022015). Collection method: clinical testing. Allele origin: germline.

CeGaT Center for Human Genetics Tuebingen
Classification: Likely benign. Last evaluated: 2022-04-01. Review status: criteria provided, single submitter. Criteria: CeGaT Center For Human Genetics Tuebingen Variant Classification Criteria Version 2. Collection method: clinical testing. Allele origin: germline. Affected: yes. Observed: 1 variant allele.
Comment: ITCH: BP4, BP7